The following is an entry in ClinVar:

ClinVar aggregate classification (germline): Uncertain significance (1 of 4 stars; one submission).

gnomAD v4.1: 20 of 1,612,818 alleles (0.0012%); highest among the groups gnomAD compares: Middle Eastern, 0.017%; no homozygotes.

Submission:

ARUP Laboratories, Molecular Genetics and Genomics, ARUP Laboratories
Classification: Uncertain significance. Last evaluated: 2025-06-19. Review status: criteria provided, single submitter. Criteria: ARUP Molecular Germline Variant Investigation Process 2024. Collection method: clinical testing. Allele origin: germline.
Comment: The FLT4 c.598G>A; p.Asp200Asn variant (rs752512978) is reported in the literature in an individual with renal cell carcinoma (Demidova 2023). This variant is only observed on two alleles in the Genome Aggregation Database (v2.1.1), indicating it is not a common polymorphism. Computational analyses predict that this variant is neutral (REVEL: 0.121). Due to limited information, the clinical significance of this variant is uncertain at this time. References: Demidova EV et al. Candidate variants in DNA replication and repair genes in early-onset renal cell carcinoma patients referred for germline testing. BMC Genomics. 2023 Apr 24;24(1):212. PMID: 37095444.

NM_182925.5(FLT4):c.598G>A (p.Asp200Asn)

Gene: FLT4 (fms related receptor tyrosine kinase 4; minus strand). Cytogenetic location: 5q35.3.
Variant type: single nucleotide variant.
Coding change: c.598G>A on transcript NM_182925.5 (MANE Select); coding-DNA position 598, G replaced by A.
Protein change: p.Asp200Asn; replaces aspartic acid 200 with asparagine.
Molecular consequence: missense variant.
Genome position (GRCh38, 1-based): chr5:180,630,021, C>T on the plus strand (G>A on the coding strand, the complement: FLT4 is on the minus strand). VCF-style: chr5-180630021-C-T. GRCh37 (hg19) VCF-style: chr5-180057021-C-T.
Other names: c.598G>A, p.Asp200Asn (NM_001354989.2, NM_002020.5); short protein forms D200N.
Identifiers: ClinVar variation 4685903 (VCV004685903.1).
Genomic context (GRCh38, chr5:180,630,021, plus strand): 5'-AGGGGTTGGAAAGGAAGTCCTGGTCTCCCCAGGTGGTCTCGCACTGCAGGTACAGGGCAT[C>T]GTGCAGCAGTGGCGTGGACACGAGCATGCCCCGCCGGTCATCCCACACCACCTCCTGCCC-3'
Protein context (NP_891555.2, residues 190-210): GMLVSTPLLH[Asp200Asn]ALYLQCETTW